The following is an entry in ClinVar:

NM_016204.4(GDF2):c.203G>T (p.Arg68Leu)

Gene: GDF2 (growth differentiation factor 2; plus strand). Cytogenetic location: 10q11.22.
Variant type: single nucleotide variant.
Coding change: c.203G>T on transcript NM_016204.4 (MANE Select); coding-DNA position 203, G replaced by T.
Protein change: p.Arg68Leu; replaces arginine 68 with leucine.
Molecular consequence: missense variant.
Genome position (GRCh38, 1-based): chr10:47,322,871, G>T. VCF-style: chr10-47322871-G-T. GRCh37 (hg19) VCF-style: chr10-48416491-C-A.
Other names: short protein forms R68L.
Identifiers: ClinVar variation 88651 (VCV000088651.5), dbSNP rs200330818, ClinGen allele CA145271.
Genomic context (GRCh38, chr10:47,322,871, plus strand): 5'-TGCCTGAGCACACCTTCAACCTGAAGATGTTTCTGGAGAACGTGAAGGTGGATTTCCTGC[G>T]CAGCCTTAACCTGAGTGGGGTCCCTTCGCAGGACAAAACCAGGGTGGAGCCGCCGCAGTA-3'
Protein context (NP_057288.1, residues 58-78): FLENVKVDFL[Arg68Leu]SLNLSGVPSQ

ClinVar aggregate classification (germline): Likely pathogenic. Review status: criteria provided, single submitter (1 of 4 stars). 2 submissions from 2 submitters: Likely pathogenic (1). 1 of the submissions does not count toward it. Last evaluated 2025-12-22.

Conditions:
Telangiectasia, hereditary hemorrhagic, type 5 (HHT5). Identifiers: Orphanet 774, MedGen C3809710, MONDO:0014217, OMIM 615506.

Allele frequency attached by ClinVar (database versions not stated): TOPMed 0.00002.
gnomAD v4.1: 5 of 1,614,026 alleles (0.00031%); highest among the groups gnomAD compares: South Asian, 0.0022%; no homozygotes.

Submissions (2):

Labcorp Genetics (formerly Invitae), Labcorp
Classification: Likely pathogenic for Telangiectasia, hereditary hemorrhagic, type 5. Last evaluated: 2025-12-22. Review status: criteria provided, single submitter. Criteria: Invitae Variant Classification Sherloc (09022015). Collection method: clinical testing. Allele origin: germline.
Comment: This sequence change replaces arginine, which is basic and polar, with leucine, which is neutral and non-polar, at codon 68 of the GDF2 protein (p.Arg68Leu). This variant is not present in population databases (gnomAD no frequency). This missense change has been observed in individual(s) with clinical features of hereditary hemorrhagic telangiectasia (PMID: 23972370). It has also been observed to segregate with disease in related individuals. ClinVar contains an entry for this variant (Variation ID: 88651). Invitae Evidence Modeling of protein sequence and biophysical properties (such as structural, functional, and spatial information, amino acid conservation, physicochemical variation, residue mobility, and thermodynamic stability) indicates that this missense variant is not expected to disrupt GDF2 protein function with a negative predictive value of 80%. Experimental studies have shown that this missense change affects GDF2 function (PMID: 23972370). In summary, the currently available evidence indicates that the variant is pathogenic, but additional data are needed to prove that conclusively. Therefore, this variant has been classified as Likely Pathogenic.

OMIM
Classification: Pathogenic for TELANGIECTASIA, HEREDITARY HEMORRHAGIC, TYPE 5. Last evaluated: 2013-09-05. Review status: no assertion criteria provided. Collection method: literature only. Allele origin: germline. Not counted in ClinVar's aggregate classification.

Literature cited by the submitters: PubMed 23972370 (cited by Labcorp Genetics (formerly Invitae), Labcorp and OMIM).